The following is an entry in ClinVar:

ClinVar aggregate classification (germline): Uncertain significance. Review status: criteria provided, single submitter (1 of 4 stars). 2 submissions from 2 submitters: Uncertain significance (1). 1 of the submissions does not count toward it. Last evaluated 2021-08-26.

Conditions:
Leber congenital amaurosis (LCA). Also called: Leber's amaurosis. Identifiers: Orphanet 65, MedGen C0339527, MeSH D057130, MONDO:0018998.
Leber congenital amaurosis 13 (LCA13). Identifiers: MedGen C2675186, MONDO:0012990, OMIM 612712.

Allele frequency attached by ClinVar (database versions not stated): TOPMed 0.00002.
gnomAD v4.1: 35 of 1,604,394 alleles (0.0022%); highest among the groups gnomAD compares: Non-Finnish European, 0.0028%; no homozygotes.

Submissions (2):

Labcorp Genetics (formerly Invitae), Labcorp
Classification: Uncertain significance for Leber congenital amaurosis 13. Last evaluated: 2021-08-26. Review status: criteria provided, single submitter. Criteria: Invitae Variant Classification Sherloc (09022015). Collection method: clinical testing. Allele origin: germline.
Comment: This sequence change replaces proline with leucine at codon 253 of the RDH12 protein (p.Pro253Leu). The proline residue is moderately conserved and there is a moderate physicochemical difference between proline and leucine. This variant is present in population databases (rs770465995, ExAC 0.01%). This variant has not been reported in the literature in individuals affected with RDH12-related conditions. Algorithms developed to predict the effect of missense changes on protein structure and function output the following: SIFT: "Tolerated"; PolyPhen-2: "Benign"; Align-GVGD: "Class C0". The leucine amino acid residue is found in multiple mammalian species, which suggests that this missense change does not adversely affect protein function. In summary, the available evidence is currently insufficient to determine the role of this variant in disease. Therefore, it has been classified as a Variant of Uncertain Significance.

Natera, Inc.
Classification: Uncertain significance for Leber congenital amaurosis. Last evaluated: 2020-08-25. Review status: no assertion criteria provided. Collection method: clinical testing. Allele origin: germline. Not counted in ClinVar's aggregate classification.

NM_152443.3(RDH12):c.758C>T (p.Pro253Leu)

Genes: RDH12 (retinol dehydrogenase 12; plus strand), GPHN (gephyrin; plus strand), ZFYVE26 (zinc finger FYVE-type containing 26; minus strand). Cytogenetic location: 14q24.1.
Variant type: single nucleotide variant.
Coding change: c.758C>T on transcript NM_152443.3 (MANE Select); coding-DNA position 758, C replaced by T.
Protein change: p.Pro253Leu; replaces proline 253 with leucine.
Molecular consequence: missense variant.
Genome position (GRCh38, 1-based): chr14:67,729,290, C>T. VCF-style: chr14-67729290-C-T. GRCh37 (hg19) VCF-style: chr14-68196007-C-T.
Other names: short protein forms P253L.
Identifiers: ClinVar variation 940954 (VCV000940954.8), dbSNP rs770465995, ClinGen allele CA7238810.